The following is an entry in ClinVar:

ClinVar aggregate classification (germline): Uncertain significance. Review status: criteria provided, multiple submitters, no conflicts (2 of 4 stars). 2 submissions from 2 submitters: Uncertain significance (2). Last evaluated 2026-01-18.

Conditions:
Gastrointestinal stromal tumor. Also called: Gastrointestinal stromal tumor, somatic; Gastrointestinal stroma tumor. Identifiers: Orphanet 44890, MedGen C0238198, MeSH D046152, MONDO:0011719, OMIM 606764, HP:0100723.
Hereditary cancer-predisposing syndrome. Also called: Neoplastic Syndromes, Hereditary; Tumor predisposition; Hereditary Cancer Syndrome; Hereditary neoplastic syndrome. Identifiers: Orphanet 140162, MedGen C0027672, MeSH D009386, MONDO:0015356.

Submissions (2):

Labcorp Genetics (formerly Invitae), Labcorp
Classification: Uncertain significance for Gastrointestinal stromal tumor. Last evaluated: 2026-01-18. Review status: criteria provided, single submitter. Criteria: Invitae Variant Classification Sherloc (09022015). Collection method: clinical testing. Allele origin: germline.
Comment: This sequence change replaces histidine, which is basic and polar, with arginine, which is basic and polar, at codon 5 of the PDGFRA protein (p.His5Arg). This variant is not present in population databases (gnomAD no frequency). This variant has not been reported in the literature in individuals affected with PDGFRA-related conditions. ClinVar contains an entry for this variant (Variation ID: 854300). An algorithm developed to predict the effect of missense changes on protein structure and function outputs the following: PolyPhen-2: "Benign". The arginine amino acid residue is found in multiple mammalian species, which suggests that this missense change does not adversely affect protein function. In summary, the available evidence is currently insufficient to determine the role of this variant in disease. Therefore, it has been classified as a Variant of Uncertain Significance.

Ambry Genetics
Classification: Uncertain significance for Hereditary cancer-predisposing syndrome. Last evaluated: 2024-10-29. Review status: criteria provided, single submitter. Criteria: Ambry Variant Classification Scheme 2023. Collection method: clinical testing. Allele origin: germline.
Comment: The p.H5R variant (also known as c.14A>G), located in coding exon 1 of the PDGFRA gene, results from an A to G substitution at nucleotide position 14. The histidine at codon 5 is replaced by arginine, an amino acid with highly similar properties. This amino acid position is conserved. In addition, this alteration is predicted to be tolerated by in silico analysis. Since supporting evidence is limited at this time, the clinical significance of this alteration remains unclear.

NM_006206.6(PDGFRA):c.14A>G (p.His5Arg)

Gene: PDGFRA (platelet derived growth factor receptor alpha; plus strand). Cytogenetic location: 4q12.
Variant type: single nucleotide variant.
Coding change: c.14A>G on transcript NM_006206.6 (MANE Select); coding-DNA position 14, A replaced by G.
Protein change: p.His5Arg; replaces histidine 5 with arginine.
Molecular consequence: missense variant.
Genome position (GRCh38, 1-based): chr4:54,258,782, A>G. VCF-style: chr4-54258782-A-G. GRCh37 (hg19) VCF-style: chr4-55124949-A-G.
Other names: c.14A>G, p.His5Arg (NM_001347827.2, NM_001347829.2); c.89A>G, p.His30Arg (NM_001347828.2); c.53A>G, p.His18Arg (NM_001347830.2); short protein forms H30R, H5R, H18R.
Identifiers: ClinVar variation 854300 (VCV000854300.13), dbSNP rs776018656, ClinGen allele CA356888061.